The following is an entry in ClinVar:

NM_006767.4(LZTR1):c.2256C>G (p.Tyr752Ter)

Gene: LZTR1 (leucine zipper like post translational regulator 1; plus strand). Cytogenetic location: 22q11.21.
Variant type: single nucleotide variant.
Coding change: c.2256C>G on transcript NM_006767.4 (MANE Select); coding-DNA position 2256, C replaced by G.
Protein change: p.Tyr752Ter; replaces tyrosine 752 with a stop codon.
Molecular consequence: nonsense.
Genome position (GRCh38, 1-based): chr22:20,996,732, C>G. VCF-style: chr22-20996732-C-G. GRCh37 (hg19) VCF-style: chr22-21351021-C-G.
Other names: short protein forms Y752*.
Identifiers: ClinVar variation 5006464 (VCV005006464.2).

ClinVar aggregate classification (germline): Likely pathogenic (1 of 4 stars; one submission).

Conditions:
Noonan syndrome 10 (NS10). Identifiers: Orphanet 648, MedGen C4225280, MONDO:0014693, OMIM 616564.
LZTR1-related schwannomatosis. Also called: Schwannomatosis-2, susceptibility to; Schwannomatosis 2. Identifiers: Orphanet 93921, MedGen C3810283, MONDO:0014299, OMIM 615670.
Noonan syndrome 2 (NS2). Identifiers: Orphanet 648, MedGen C1854469, MONDO:0011531, OMIM 605275.

Submission:

Juno Genomics, Hangzhou Juno Genomics, Inc
Classification: Likely pathogenic for LZTR1-related schwannomatosis; Noonan syndrome 10; Noonan syndrome 2. Review status: criteria provided, single submitter. Criteria: ACMG Guidelines, 2015. Collection method: clinical testing. Allele origin: germline.
Comment: Null variant in a gene where loss of function (LOF) is a known mechanism of disease.;Absent from controls (or at extremely low frequency if recessive) in Genome Aggregation Database.